The following is an entry in ClinVar:

NM_020066.5(FMN2):c.1962A>G (p.Gln654=)

Gene: FMN2 (formin 2; plus strand). Cytogenetic location: 1q43.
Variant type: single nucleotide variant.
Coding change: c.1962A>G on transcript NM_020066.5 (MANE Select); coding-DNA position 1962, A replaced by G.
Protein change: p.Gln654=; no amino-acid change (glutamine 654 retained).
Molecular consequence: synonymous variant.
Genome position (GRCh38, 1-based): chr1:240,188,238, A>G. VCF-style: chr1-240188238-A-G. GRCh37 (hg19) VCF-style: chr1-240351538-A-G.
Other names: c.1974A>G, p.Gln658= (NM_001305424.2); c.1962A>G, p.Gln654= (NM_001348094.2).
Identifiers: ClinVar variation 727225 (VCV000727225.10), dbSNP rs144870942, ClinGen allele CA1476495.

ClinVar aggregate classification (germline): Benign/Likely benign. Review status: criteria provided, multiple submitters, no conflicts (2 of 4 stars). 3 submissions from 3 submitters: Benign (2); Likely benign (1). Last evaluated 2026-04-01.

Allele frequency attached by ClinVar (database versions not stated): gnomAD 0.00156 and 0.00168; TOPMed 0.00166; ESP Exome Variant Server 0.00238; gnomAD exomes 0.00013 and 0.00034; ExAC 0.00040; 1000 Genomes Project 30x 0.00109; 1000 Genomes Project 0.00120.
gnomAD v4.1: 433 of 1,613,948 alleles (0.027%); highest among the groups gnomAD compares: African/African-American, 0.52%; 3 homozygotes.

Submissions (3):

CeGaT Center for Human Genetics Tuebingen
Classification: Likely benign. Last evaluated: 2026-04-01. Review status: criteria provided, single submitter. Criteria: CeGaT Center For Human Genetics Tuebingen Variant Classification Criteria Version 2. Collection method: clinical testing. Allele origin: germline. Affected: yes. Observed: 4 variant alleles.
Comment: FMN2: BP4, BP7

Labcorp Genetics (formerly Invitae), Labcorp
Classification: Benign. Last evaluated: 2018-06-26. Review status: criteria provided, single submitter. Criteria: Invitae Variant Classification Sherloc (09022015). Collection method: clinical testing. Allele origin: germline.

Breakthrough Genomics
Classification: Benign. Review status: criteria provided, single submitter. Criteria: ACMG Guidelines, 2015. Collection method: not provided. Allele origin: germline. Inheritance: Autosomal recessive inheritance. Affected: yes.